The following is an entry in ClinVar:

ClinVar aggregate classification (germline): Uncertain significance (1 of 4 stars; one submission).

Conditions:
Weill-Marchesani 4 syndrome, recessive. Also called: Weill-Marchesani syndrome 4. Identifiers: Orphanet 363992, MedGen C2750787, MONDO:0013176, OMIM 613195.

gnomAD v4.1: 1 of 1,614,174 alleles (0.000062%); highest among the groups gnomAD compares: South Asian, 0.0011%; no homozygotes.

Submission:

Pittsburgh Clinical Genomics Laboratory, University of Pittsburgh Medical Center
Classification: Uncertain significance for Weill-Marchesani 4 syndrome, recessive. Last evaluated: 2024-04-24. Review status: criteria provided, single submitter. Criteria: ACMG Guidelines, 2015. Collection method: clinical testing. Allele origin: germline. Inheritance: Autosomal recessive inheritance. Affected: yes.
Comment: This sequence variant is a single nucleotide substitution (A>G) at the +4 position downstream of exon 12 of the ADAMTS17 gene. This variant is absent from ClinVar and the published literature. This variant is present in 1 of 628720 alleles (0.0001591%) in the gnomAD v4.0.0 population dataset. Multiple splicing tools predict that this variant is likely to disrupt normal splicing, but functional studies confirming these predictions have not been performed, to our knowledge. At this time, there is insufficient evidence to determine if this variant is pathogenic or benign. Therefore, we consider this a variant of uncertain significance. ACMG Criteria: PM2, PP3

NM_139057.4(ADAMTS17):c.1721+4A>G

Genes: ADAMTS17 (ADAM metallopeptidase with thrombospondin type 1 motif 17; minus strand), LOC130058037 (ATAC-STARR-seq lymphoblastoid active region 10166; plus strand). Cytogenetic location: 15q26.3.
Variant type: single nucleotide variant.
Coding change: c.1721+4A>G on transcript NM_139057.4 (MANE Select); 4 bases into the intron after coding-DNA position 1721, A replaced by G.
Molecular consequence: intron variant.
Genome position (GRCh38, 1-based): chr15:100,132,003, T>C on the plus strand (A>G on the coding strand, the complement: ADAMTS17 is on the minus strand). VCF-style: chr15-100132003-T-C. GRCh37 (hg19) VCF-style: chr15-100672208-T-C.
Identifiers: ClinVar variation 3376463 (VCV003376463.1).